The following is an entry in ClinVar:

ClinVar aggregate classification (germline): Uncertain significance. Review status: criteria provided, multiple submitters, no conflicts (2 of 4 stars). 7 submissions from 6 submitters: Uncertain significance (7). Last evaluated 2025-08-21.

Conditions:
Melnick-Fraser syndrome (BOR). Also called: Branchiootorenal Syndrome (BORS); Branchiootorenal syndrome; Branchio-oto-renal syndrome. Identifiers: Orphanet 107, MedGen C0265234, MONDO:0007029.
Branchiootorenal syndrome 1. Also called: Branchio-Oto-Renal Syndrome 1. Identifiers: Orphanet 107, MedGen C4551702, MONDO:0007236, OMIM 113650.
Branchiootic syndrome 1 (BOS1). Also called: BO SYNDROME 1; BRANCHIOOTIC DYSPLASIA. Identifiers: MedGen C1865143, MONDO:0011258, OMIM 602588.
Otofaciocervical syndrome 1 (OTFCS). Identifiers: MedGen C3714941, MONDO:0024532, OMIM 166780.
Inborn genetic diseases. Identifiers: MedGen C0950123, MeSH D030342.

Allele frequency attached by ClinVar (database versions not stated): gnomAD exomes below 0.00001; TOPMed 0.00005.
gnomAD v4.1: 20 of 1,614,058 alleles (0.0012%); highest among the groups gnomAD compares: Admixed American, 0.0017%; no homozygotes.

Submissions (7):

Ambry Genetics
Classification: Uncertain significance for Inborn genetic diseases. Last evaluated: 2025-08-21. Review status: criteria provided, single submitter. Criteria: Ambry Variant Classification Scheme 2023. Collection method: clinical testing. Allele origin: germline.

Labcorp Genetics (formerly Invitae), Labcorp
Classification: Uncertain significance for Melnick-Fraser syndrome. Last evaluated: 2025-07-14. Review status: criteria provided, single submitter. Criteria: Invitae Variant Classification Sherloc (09022015). Collection method: clinical testing. Allele origin: germline.
Comment: This sequence change replaces tyrosine, which is neutral and polar, with phenylalanine, which is neutral and non-polar, at codon 438 of the EYA1 protein (p.Tyr438Phe). This variant is present in population databases (no rsID available, gnomAD 0.002%). This variant has not been reported in the literature in individuals affected with EYA1-related conditions. ClinVar contains an entry for this variant (Variation ID: 910434). Invitae Evidence Modeling of protein sequence and biophysical properties (such as structural, functional, and spatial information, amino acid conservation, physicochemical variation, residue mobility, and thermodynamic stability) has been performed for this missense variant. However, the output from this modeling did not meet the statistical confidence thresholds required to predict the impact of this variant on EYA1 protein function. In summary, the available evidence is currently insufficient to determine the role of this variant in disease. Therefore, it has been classified as a Variant of Uncertain Significance.

Fulgent Genetics
Classification: Uncertain significance for Branchiootorenal syndrome 1; Otofaciocervical syndrome 1; Branchiootic syndrome 1. Last evaluated: 2024-04-07. Review status: criteria provided, single submitter. Criteria: ACMG Guidelines, 2015. Collection method: clinical testing. Allele origin: germline.

Women's Health and Genetics/Laboratory Corporation of America, LabCorp
Classification: Uncertain significance. Last evaluated: 2024-02-14. Review status: criteria provided, single submitter. Criteria: LabCorp Variant Classification Summary - May 2015. Collection method: clinical testing. Allele origin: germline.
Comment: Variant summary: EYA1 c.1313A>T (p.Tyr438Phe) results in a conservative amino acid change in the encoded protein sequence. Three of five in-silico tools predict a benign effect of the variant on protein function. The variant allele was found at a frequency of 4e-06 in 251388 control chromosomes (gnomAD). The available data on variant occurrences in the general population are insufficient to allow any conclusion about variant significance. To our knowledge, no occurrence of c.1313A>T in individuals affected with EYA1-Related Disorders and no experimental evidence demonstrating its impact on protein function have been reported. ClinVar contains an entry for this variant (Variation ID: 910434). Based on the evidence outlined above, the variant was classified as uncertain significance.

GeneDx
Classification: Uncertain significance. Last evaluated: 2023-10-23. Review status: criteria provided, single submitter. Criteria: GeneDx Variant Classification Process June 2021. Collection method: clinical testing. Allele origin: germline. Affected: yes.
Comment: In silico analysis supports that this missense variant has a deleterious effect on protein structure/function; Has not been previously published as pathogenic or benign to our knowledge

Illumina Laboratory Services, Illumina
Classification: Uncertain significance for Branchiootic syndrome. Last evaluated: 2018-01-15. Review status: criteria provided, single submitter. Criteria: ICSL Variant Classification Criteria 13 December 2019. Collection method: clinical testing. Allele origin: germline.

Illumina Laboratory Services, Illumina
Classification: Uncertain significance for Otofaciocervical syndrome 1. Last evaluated: 2018-01-15. Review status: criteria provided, single submitter. Criteria: ICSL Variant Classification Criteria 13 December 2019. Collection method: clinical testing. Allele origin: germline.

NM_000503.6(EYA1):c.1313A>T (p.Tyr438Phe)

Gene: EYA1 (EYA transcriptional coactivator and phosphatase 1; minus strand). Cytogenetic location: 8q13.3.
Variant type: single nucleotide variant.
Coding change: c.1313A>T on transcript NM_000503.6 (MANE Select); coding-DNA position 1313, A replaced by T.
Protein change: p.Tyr438Phe; replaces tyrosine 438 with phenylalanine.
Molecular consequence: missense variant.
Genome position (GRCh38, 1-based): chr8:71,216,739, T>A on the plus strand (A>T on the coding strand, the complement: EYA1 is on the minus strand). VCF-style: chr8-71216739-T-A. GRCh37 (hg19) VCF-style: chr8-72128974-T-A.
Other names: c.1295A>T, p.Tyr432Phe (NM_001288574.2, NM_172059.5); c.947A>T, p.Tyr316Phe (NM_001288575.2); c.1400A>T, p.Tyr467Phe (NM_001370333.1); c.1313A>T, p.Tyr438Phe (NM_001370334.1, NM_001370335.1, NM_172058.4); c.1292A>T, p.Tyr431Phe (NM_001370336.1); short protein forms Y432F, Y467F, Y316F, Y431F, Y438F.
Identifiers: ClinVar variation 910434 (VCV000910434.17), dbSNP rs1374801818, ClinGen allele CA371466669.